The following is an entry in ClinVar:

ClinVar aggregate classification (germline): Uncertain significance. Review status: criteria provided, multiple submitters, no conflicts (2 of 4 stars). 2 submissions from 2 submitters: Uncertain significance (2). Last evaluated 2026-03-04.

Conditions:
Neurodevelopmental disorder with hypotonia, brain anomalies, distinctive facies, and absent language. Also called: ReNU SYNDROME; RNU4-2–Related Autosomal Dominant Neurodevelopmental Disorder; RNU4-2-Related Neurodevelopmental Disorder. Identifiers: Orphanet 686488, MedGen C5935628, MONDO:0971172, OMIM 620851.
Neurodevelopmental disorder. Identifiers: MedGen C1535926, MeSH D065886, MONDO:0700092.

Submissions (2):

Broad Center for Mendelian Genomics, Broad Institute of MIT and Harvard
Classification: Uncertain significance for Neurodevelopmental disorder. Last evaluated: 2026-03-04. Review status: criteria provided, single submitter. Criteria: ACMG Guidelines, 2015. Collection method: research. Allele origin: germline. Inheritance: Autosomal recessive inheritance. Study: GREGoR Consortium.
Comment: The n.129G>C variant in RNU4-2 was identified by trio genome sequencing, in the compound heterozygous state with a variant of uncertain significance (n.23G>A), in a child with congenital hydrocephalus, unilateral periventricular cystic changes on MRI, global developmental delay, failure to thrive, hypotonia, and known TPM3 pathogenic variant (Broad Institute Rare Genomes Project). It was absent from large population studies. Computational prediction tools and conservation analyses suggest that this variant may impact the protein, though this information is not predictive enough to determine impact. Furthermore, although this gene has been reported in association with autosomal dominant neurodevelopment disorder, it currently has moderate evidence for recessive disease. In summary, the clinical significance of this variant is uncertain.

Centre for Population Genomics, CPG
Classification: Uncertain significance for RNU4-2-Related Neurodevelopmental Disorder. Last evaluated: 2026-02-11. Review status: criteria provided, single submitter. Criteria: Ellingford et al. (Genome Med. 2022). Collection method: research. Allele origin: germline. Inheritance: Autosomal recessive inheritance. Affected: yes. Observed: 1 variant allele, 1 compound heterozygote.
Comment: PM2_supp,PS3_supp

NR_003137.3(RNU4-2):n.129G>C

Gene: RNU4-2 (RNA, U4 small nuclear 2; minus strand). Cytogenetic location: 12q24.23.
Variant type: single nucleotide variant.
Molecular consequence: non-coding transcript variant (on NR_003137.3).
Genome position: GRCh38 VCF-style: chr12-120291775-C-G. GRCh37 (hg19) VCF-style: chr12-120729578-C-G.
Other names: NR_003137.2:n.129G>C.
Identifiers: ClinVar variation 4795828 (VCV004795828.2).